The following is an entry in ClinVar:

NM_145059.3(FCSK):c.337G>A (p.Val113Met)

Gene: FCSK (fucose kinase; plus strand). Cytogenetic location: 16q22.1.
Variant type: single nucleotide variant.
Coding change: c.337G>A on transcript NM_145059.3 (MANE Select); coding-DNA position 337, G replaced by A.
Protein change: p.Val113Met; replaces valine 113 with methionine.
Molecular consequence: missense variant.
Genome position (GRCh38, 1-based): chr16:70,466,183, G>A. VCF-style: chr16-70466183-G-A. GRCh37 (hg19) VCF-style: chr16-70500086-G-A.
Other names: short protein forms V113M.
Identifiers: ClinVar variation 4748918 (VCV004748918.1).

ClinVar aggregate classification (germline): Uncertain significance (1 of 4 stars; one submission).

Submission:

Labcorp Genetics (formerly Invitae), Labcorp
Classification: Uncertain significance. Last evaluated: 2025-02-04. Review status: criteria provided, single submitter. Criteria: Invitae Variant Classification Sherloc (09022015). Collection method: clinical testing. Allele origin: germline.
Comment: This sequence change replaces valine, which is neutral and non-polar, with methionine, which is neutral and non-polar, at codon 113 of the FUK protein (p.Val113Met). This variant is present in population databases (rs376281623, gnomAD 0.02%). This variant has not been reported in the literature in individuals affected with FUK-related conditions. An algorithm developed to predict the effect of missense changes on protein structure and function outputs the following: PolyPhen-2: "Benign". The methionine amino acid residue is found in multiple mammalian species, which suggests that this missense change does not adversely affect protein function. In summary, the available evidence is currently insufficient to determine the role of this variant in disease. Therefore, it has been classified as a Variant of Uncertain Significance.